The following is an entry in ClinVar:

NM_001134363.3(RBM20):c.43G>C (p.Gly15Arg)

Gene: RBM20 (RNA binding motif protein 20; plus strand). Cytogenetic location: 10q25.2.
Variant type: single nucleotide variant.
Coding change: c.43G>C on transcript NM_001134363.3 (MANE Select); coding-DNA position 43, G replaced by C.
Protein change: p.Gly15Arg; replaces glycine 15 with arginine.
Molecular consequence: missense variant.
Genome position (GRCh38, 1-based): chr10:110,644,497, G>C. VCF-style: chr10-110644497-G-C. GRCh37 (hg19) VCF-style: chr10-112404255-G-C.
Other names: c.43G>C (NM_001134363.1); short protein forms G15R.
Identifiers: ClinVar variation 1034453 (VCV001034453.10), dbSNP rs559040957, ClinGen allele CA5688486.

ClinVar aggregate classification (germline): Conflicting classifications of pathogenicity. Review status: criteria provided, conflicting classifications (1 of 4 stars). 2 submissions from 2 submitters: Uncertain significance (1); Benign (1). Last evaluated 2025-05-27.

Conditions:
Cardiovascular phenotype. Identifiers: MedGen CN230736.
Dilated cardiomyopathy 1DD (CMD1DD). Identifiers: Orphanet 154, MedGen C2750995, MONDO:0013168, OMIM 613172.

Allele frequency attached by ClinVar (database versions not stated): gnomAD below 0.00001 and 0.00001; ExAC 0.00019; 1000 Genomes Project 0.00020; 1000 Genomes Project 30x 0.00031.
gnomAD v4.1: 20 of 1,523,578 alleles (0.0013%); highest among the groups gnomAD compares: South Asian, 0.022%; no homozygotes.

Submissions (2):

Ambry Genetics
Classification: Uncertain significance for Cardiovascular phenotype. Last evaluated: 2025-05-27. Review status: criteria provided, single submitter. Criteria: Ambry Variant Classification Scheme 2023. Collection method: clinical testing. Allele origin: germline.
Comment: The p.G15R variant (also known as c.43G>C), located in coding exon 1 of the RBM20 gene, results from a G to C substitution at nucleotide position 43. The glycine at codon 15 is replaced by arginine, an amino acid with dissimilar properties. This amino acid position is conserved. In addition, the in silico prediction for this alteration is inconclusive. Based on the available evidence, the clinical significance of this variant remains unclear.

Labcorp Genetics (formerly Invitae), Labcorp
Classification: Benign for Dilated cardiomyopathy 1DD. Last evaluated: 2022-12-06. Review status: criteria provided, single submitter. Criteria: Invitae Variant Classification Sherloc (09022015). Collection method: clinical testing. Allele origin: germline.